The following is an entry in ClinVar:

ClinVar aggregate classification (germline): Uncertain significance. Review status: criteria provided, multiple submitters, no conflicts (2 of 4 stars). 2 submissions from 2 submitters: Uncertain significance (2). Last evaluated 2023-05-04.

Conditions:
Neurodevelopmental disorder with seizures and nonepileptic hyperkinetic movements. Identifiers: MedGen C5193128, MONDO:0032784, OMIM 618497.

Submissions (2):

Blueprint Genetics
Classification: Uncertain significance. Last evaluated: 2023-05-04. Review status: criteria provided, single submitter. Criteria: ACMG Guidelines, 2015. Collection method: clinical testing. Allele origin: germline.

Juno Genomics, Hangzhou Juno Genomics, Inc
Classification: Uncertain significance for Neurodevelopmental disorder with seizures and nonepileptic hyperkinetic movements. Review status: criteria provided, single submitter. Criteria: ACMG Guidelines, 2015. Collection method: clinical testing. Allele origin: germline.
Comment: Absent from controls (or at extremely low frequency if recessive) in Genome Aggregation Database.;Missense variant in a gene that has a low rate of benign missense variation.;Multiple lines of computational evidence support a deleterious effect on the gene or gene product.

NM_000718.4(CACNA1B):c.5147G>A (p.Arg1716Gln)

Gene: CACNA1B (calcium voltage-gated channel subunit alpha1 B; plus strand). Cytogenetic location: 9q34.3.
Variant type: single nucleotide variant.
Coding change: c.5147G>A on transcript NM_000718.4 (MANE Select); coding-DNA position 5147, G replaced by A.
Protein change: p.Arg1716Gln; replaces arginine 1716 with glutamine.
Molecular consequence: missense variant.
Genome position (GRCh38, 1-based): chr9:138,096,536, G>A. VCF-style: chr9-138096536-G-A. GRCh37 (hg19) VCF-style: chr9-140990988-G-A.
Other names: c.5147G>A, p.Arg1716Gln (NM_001243812.2); short protein forms R1716Q.
Identifiers: ClinVar variation 4906373 (VCV004906373.3).
Genomic context (GRCh38, chr9:138,096,536, plus strand): 5'-TCCTGCAGATGTTGAACCTCTTTGTGGCTGTGATCATGGACAATTTTGAGTACCTCACGC[G>A]GGACTCTTCCATCCTAGGTCCTCACCACTTGGATGAGTTCATCCGGGTCTGGGCTGAATA-3'
Protein context (NP_000709.1, residues 1706-1726): VIMDNFEYLT[Arg1716Gln]DSSILGPHHL